The following is an entry in ClinVar:

NM_001164508.2(NEB):c.13376A>G (p.Tyr4459Cys)

Gene: NEB (nebulin; minus strand). Cytogenetic location: 2q23.3.
Variant type: single nucleotide variant.
Coding change: c.13376A>G on transcript NM_001164508.2 (MANE Select); coding-DNA position 13376, A replaced by G.
Protein change: p.Tyr4459Cys; replaces tyrosine 4459 with cysteine.
Molecular consequence: missense variant. On other transcripts: intron variant (1).
Genome position (GRCh38, 1-based): chr2:151,602,001, T>C on the plus strand (A>G on the coding strand, the complement: NEB is on the minus strand). VCF-style: chr2-151602001-T-C. GRCh37 (hg19) VCF-style: chr2-152458515-T-C.
Other names: c.13376A>G, p.Tyr4459Cys (NM_001164507.2, NM_001271208.2); c.11601+7808A>G (NM_004543.5); short protein forms Y4459C.
Identifiers: ClinVar variation 383127 (VCV000383127.1), dbSNP rs1057521523, ClinGen allele CA16603969.
Genomic context (GRCh38, chr2:151,602,001, plus strand): 5'-CCAATGGCATCTGCTCGCAGGTCATAACCAGTCATCTTGACATCTTCCCAAGCTTGCTGA[T>C]AGCGTTTCTGCAAACAGAGAGTGCAATGCCACAGTCAGTCTGAAGAGGGAGCTACTGAGT-3'
Protein context (NP_001157980.2, residues 4449-4469): INALQISNKR[Tyr4459Cys]QQAWEDVKMT

ClinVar aggregate classification (germline): Likely benign (1 of 4 stars; one submission).

Submission:

GeneDx
Classification: Likely benign. Last evaluated: 2016-02-26. Review status: criteria provided, single submitter. Criteria: GeneDx Variant Classification (06012015). Collection method: clinical testing. Allele origin: germline. Affected: yes.
Comment: This variant is considered likely benign or benign based on one or more of the following criteria: it is a conservative change, it occurs at a poorly conserved position in the protein, it is predicted to be benign by multiple in silico algorithms, and/or has population frequency not consistent with disease.